The following is an entry in ClinVar:

ClinVar aggregate classification (germline): Likely benign. Review status: criteria provided, multiple submitters, no conflicts (2 of 4 stars). 2 submissions from 2 submitters: Likely benign (2). Last evaluated 2026-06-01.

Allele frequency attached by ClinVar (database versions not stated): gnomAD exomes 0.00001; ExAC 0.00002; TOPMed 0.00003.
gnomAD v4.1: 11 of 1,612,772 alleles (0.00068%); highest among the groups gnomAD compares: Admixed American, 0.0017%; no homozygotes.

Submissions (2):

CeGaT Center for Human Genetics Tuebingen
Classification: Likely benign. Last evaluated: 2026-06-01. Review status: criteria provided, single submitter. Criteria: CeGaT Center For Human Genetics Tuebingen Variant Classification Criteria Version 2. Collection method: clinical testing. Allele origin: germline. Affected: yes. Observed: 1 variant allele.
Comment: LONP1: BP4, BP7

Labcorp Genetics (formerly Invitae), Labcorp
Classification: Likely benign. Last evaluated: 2024-10-22. Review status: criteria provided, single submitter. Criteria: Invitae Variant Classification Sherloc (09022015). Collection method: clinical testing. Allele origin: germline.

NM_004793.4(LONP1):c.1044C>T (p.Asp348=)

Gene: LONP1 (lon peptidase 1, mitochondrial; minus strand). Cytogenetic location: 19p13.3.
Variant type: single nucleotide variant.
Coding change: c.1044C>T on transcript NM_004793.4 (MANE Select); coding-DNA position 1044, C replaced by T.
Protein change: p.Asp348=; no amino-acid change (aspartic acid 348 retained).
Molecular consequence: synonymous variant. On other transcripts: non-coding transcript variant (1).
Genome position (GRCh38, 1-based): chr19:5,707,715, G>A on the plus strand (C>T on the coding strand, the complement: LONP1 is on the minus strand). VCF-style: chr19-5707715-G-A. GRCh37 (hg19) VCF-style: chr19-5707726-G-A.
Other names: c.852C>T, p.Asp284= (NM_001276479.2); c.456C>T, p.Asp152= (NM_001276480.1).
Identifiers: ClinVar variation 2175231 (VCV002175231.6), dbSNP rs751274908, ClinGen allele CA9114867.